The following is an entry in ClinVar:

NM_006946.4(SPTBN2):c.1700A>G (p.Glu567Gly)

Gene: SPTBN2 (spectrin beta, non-erythrocytic 2; minus strand). Cytogenetic location: 11q13.2.
Variant type: single nucleotide variant.
Coding change: c.1700A>G on transcript NM_006946.4 (MANE Select); coding-DNA position 1700, A replaced by G.
Protein change: p.Glu567Gly; replaces glutamic acid 567 with glycine.
Molecular consequence: missense variant.
Genome position (GRCh38, 1-based): chr11:66,705,791, T>C on the plus strand (A>G on the coding strand, the complement: SPTBN2 is on the minus strand). VCF-style: chr11-66705791-T-C. GRCh37 (hg19) VCF-style: chr11-66473262-T-C.
Other names: c.1721A>G, p.Glu574Gly (NM_001411025.1); short protein forms E567G, E574G.
Identifiers: ClinVar variation 3373120 (VCV003373120.1).

ClinVar aggregate classification (germline): Uncertain significance (1 of 4 stars; one submission).

gnomAD v4.1: 1 of 1,612,412 alleles (0.000062%); highest among the groups gnomAD compares: East Asian, 0.0022%; no homozygotes.

Submission:

GeneDx
Classification: Uncertain significance. Last evaluated: 2024-04-29. Review status: criteria provided, single submitter. Criteria: GeneDx Variant Classification Process June 2021. Collection method: clinical testing. Allele origin: germline. Affected: yes.
Comment: Not observed at significant frequency in large population cohorts (gnomAD); In silico analysis supports that this missense variant has a deleterious effect on protein structure/function; Has not been previously published as pathogenic or benign to our knowledge